The following is an entry in ClinVar:

ClinVar aggregate classification (germline): Uncertain significance. Review status: criteria provided, multiple submitters, no conflicts (2 of 4 stars). 2 submissions from 2 submitters: Uncertain significance (2). Last evaluated 2025-06-29.

Allele frequency attached by ClinVar (database versions not stated): gnomAD exomes 0.00001.
gnomAD v4.1: 4 of 1,581,376 alleles (0.00025%); highest among the groups gnomAD compares: Non-Finnish European, 0.00034%; no homozygotes.

Submissions (2):

Labcorp Genetics (formerly Invitae), Labcorp
Classification: Uncertain significance. Last evaluated: 2025-06-29. Review status: criteria provided, single submitter. Criteria: Invitae Variant Classification Sherloc (09022015). Collection method: clinical testing. Allele origin: germline.
Comment: This sequence change creates a premature translational stop signal (p.Tyr330*) in the POLE2 gene. It is expected to result in an absent or disrupted protein product. However, the current clinical and genetic evidence is not sufficient to establish whether loss-of-function variants in POLE2 cause disease. This variant is not present in population databases (gnomAD no frequency). This variant has not been reported in the literature in individuals affected with POLE2-related conditions. ClinVar contains an entry for this variant (Variation ID: 1052261). In summary, the available evidence is currently insufficient to determine the role of this variant in disease. Therefore, it has been classified as a Variant of Uncertain Significance.

Blueprint Genetics
Classification: Uncertain significance. Last evaluated: 2024-07-05. Review status: criteria provided, single submitter. Criteria: ACMG Guidelines, 2015. Collection method: clinical testing. Allele origin: germline.

NM_002692.4(POLE2):c.990T>G (p.Tyr330Ter)

Gene: POLE2 (DNA polymerase epsilon 2, accessory subunit; minus strand). Cytogenetic location: 14q21.3.
Variant type: single nucleotide variant.
Coding change: c.990T>G on transcript NM_002692.4 (MANE Select); coding-DNA position 990, T replaced by G.
Protein change: p.Tyr330Ter; replaces tyrosine 330 with a stop codon.
Molecular consequence: nonsense.
Genome position (GRCh38, 1-based): chr14:49,655,033, A>C on the plus strand (T>G on the coding strand, the complement: POLE2 is on the minus strand). VCF-style: chr14-49655033-A-C. GRCh37 (hg19) VCF-style: chr14-50121751-A-C.
Other names: c.912T>G, p.Tyr304Ter (NM_001197330.2); c.990T>G, p.Tyr330Ter (NM_001197331.3, NM_001348384.2); c.759T>G, p.Tyr253Ter (NM_001348385.2); short protein forms Y253*, Y304*, Y330*.
Identifiers: ClinVar variation 1052261 (VCV001052261.8), dbSNP rs2139623078, ClinGen allele CA389603545.
Genomic context (GRCh38, chr14:49,655,033, plus strand): 5'-GAAACACTTCTTATTAAATAGATCGTTAATACCTTTCAAAGCTTGAACTTGATTTTTTCC[A>C]TATGGTGCAGATGAAAAATTACCACACAGAATAAAGCAGGTTGGAGGTGCTGGTGAATAA-3'